The following is an entry in ClinVar:

ClinVar aggregate classification (germline): Uncertain significance (1 of 4 stars; one submission).

Conditions:
Inborn genetic diseases. Identifiers: MedGen C0950123, MeSH D030342.

gnomAD v4.1: 1 of 1,613,190 alleles (0.000062%); highest among the groups gnomAD compares: Non-Finnish European, 0.000085%; no homozygotes.

Submission:

Ambry Genetics
Classification: Uncertain significance for Inborn genetic diseases. Last evaluated: 2024-10-06. Review status: criteria provided, single submitter. Criteria: Ambry Variant Classification Scheme 2023. Collection method: clinical testing. Allele origin: germline.
Comment: The p.S2233N variant (also known as c.6698G>A), located in coding exon 40 of the ATR gene, results from a G to A substitution at nucleotide position 6698. The serine at codon 2233 is replaced by asparagine, an amino acid with highly similar properties. This amino acid position is conserved. In addition, this alteration is predicted to be tolerated by in silico analysis. Based on the available evidence, the clinical significance of this variant remains unclear.

NM_001184.4(ATR):c.6698G>A (p.Ser2233Asn)

Gene: ATR (ATR serine/threonine kinase; minus strand). Cytogenetic location: 3q23.
Variant type: single nucleotide variant.
Coding change: c.6698G>A on transcript NM_001184.4 (MANE Select); coding-DNA position 6698, G replaced by A.
Protein change: p.Ser2233Asn; replaces serine 2233 with asparagine.
Molecular consequence: missense variant.
Genome position (GRCh38, 1-based): chr3:142,466,523, C>T on the plus strand (G>A on the coding strand, the complement: ATR is on the minus strand). VCF-style: chr3-142466523-C-T. GRCh37 (hg19) VCF-style: chr3-142185365-C-T.
Other names: c.6506G>A, p.Ser2169Asn (NM_001354579.2); short protein forms S2169N, S2233N.
Identifiers: ClinVar variation 3461543 (VCV003461543.1).